The following is an entry in ClinVar:

ClinVar aggregate classification (germline): Likely pathogenic (1 of 4 stars; one submission).

Conditions:
Dilated cardiomyopathy 1G (CMD1G). Identifiers: Orphanet 154, MedGen C1858763, MONDO:0011400, OMIM 604145.
Autosomal recessive limb-girdle muscular dystrophy type 2J (LGMDR10). Also called: Limb-girdle muscular dystrophy, type 2J; MUSCULAR DYSTROPHY, LIMB-GIRDLE, AUTOSOMAL RECESSIVE 10. Identifiers: Orphanet 140922, MedGen C1837342, MONDO:0012127, OMIM 608807.

Allele frequency attached by ClinVar (database versions not stated): gnomAD exomes below 0.00001.
gnomAD v4.1: 1 of 1,613,940 alleles (0.000062%); highest among the groups gnomAD compares: Admixed American, 0.0017%; no homozygotes.

Submission:

Labcorp Genetics (formerly Invitae), Labcorp
Classification: Likely pathogenic for Dilated cardiomyopathy 1G; Autosomal recessive limb-girdle muscular dystrophy type 2J. Last evaluated: 2023-12-06. Review status: criteria provided, single submitter. Criteria: Invitae Variant Classification Sherloc (09022015). Collection method: clinical testing. Allele origin: germline.
Comment: This sequence change creates a premature translational stop signal (p.Trp35162*) in the TTN gene. While this is not anticipated to result in nonsense mediated decay, it is expected to create a truncated TTN protein. This variant is present in population databases (no rsID available, gnomAD 0.003%). This variant has not been reported in the literature in individuals affected with TTN-related conditions. ClinVar contains an entry for this variant (Variation ID: 1965233). This variant is located in the M band of TTN (PMID: 25589632). Truncating variants in this region have been previously reported in individuals affected with autosomal recessive myopathy and muscular dystrophy (PMID: 18948003, 23975875, 24395473). Truncating variants in this region have also been identified in individuals affected with autosomal dominant dilated cardiomyopathy and/or cardio-related conditions (PMID: 27869827, 32964742). In summary, the currently available evidence indicates that the variant is pathogenic, but additional data are needed to prove that conclusively. Therefore, this variant has been classified as Likely Pathogenic.

Literature cited by the submitters: PubMed 25589632; PubMed 18948003; PubMed 23975875; PubMed 24395473; PubMed 27869827; PubMed 32964742.

NM_001267550.2(TTN):c.105486G>A (p.Trp35162Ter)

Genes: TTN-AS1 (TTN antisense RNA 1; plus strand), TTN (titin; minus strand). Cytogenetic location: 2q31.2.
Variant type: single nucleotide variant.
Coding change: c.105486G>A on transcript NM_001267550.2 (MANE Select); coding-DNA position 105486, G replaced by A.
Protein change: p.Trp35162Ter; replaces tryptophan 35162 with a stop codon.
Molecular consequence: nonsense.
Genome position (GRCh38, 1-based): chr2:178,531,129, C>T on the plus strand (G>A on the coding strand, the complement: TTN is on the minus strand). VCF-style: chr2-178531129-C-T. GRCh37 (hg19) VCF-style: chr2-179395856-C-T.
Other names: c.100563G>A, p.Trp33521Ter (NM_001256850.1); c.78291G>A, p.Trp26097Ter (NM_003319.4); c.97782G>A, p.Trp32594Ter (NM_133378.4); c.78666G>A, p.Trp26222Ter (NM_133432.3); c.78867G>A, p.Trp26289Ter (NM_133437.4); short protein forms W26289*, W35162*, W32594*, W33521*, W26097*, W26222*.
Identifiers: ClinVar variation 1965233 (VCV001965233.5), dbSNP rs1201789108, ClinGen allele CA349408676.